The following is an entry in ClinVar:

ClinVar aggregate classification (germline): Conflicting classifications of pathogenicity. Review status: criteria provided, conflicting classifications (1 of 4 stars). 5 submissions from 5 submitters: Uncertain significance (4); Likely benign (1). Last evaluated 2026-05-01.

Conditions:
Hereditary cancer-predisposing syndrome. Also called: Tumor predisposition; Hereditary neoplastic syndrome; Neoplastic Syndromes, Hereditary; Hereditary Cancer Syndrome. Identifiers: Orphanet 140162, MedGen C0027672, MeSH D009386, MONDO:0015356.
BAP1-related tumor predisposition syndrome (TPDS1). Also called: Tumor susceptibility linked to germline BAP1 mutations; COMMON Syndrome; TUMOR PREDISPOSITION SYNDROME 1; BAP1 tumor predisposition syndrome. Identifiers: Orphanet 289539, MedGen C3280492, MONDO:0013692, OMIM 614327.

Allele frequency attached by ClinVar (database versions not stated): gnomAD exomes below 0.00001; ExAC 0.00001; gnomAD 0.00003 and 0.00002; TOPMed 0.00001.
gnomAD v4.1: 8 of 1,614,012 alleles (0.0005%); highest among the groups gnomAD compares: Admixed American, 0.0033%; no homozygotes.

Submissions (5):

Ambry Genetics
Classification: Likely benign for Hereditary cancer-predisposing syndrome. Last evaluated: 2026-05-01. Review status: criteria provided, single submitter. Criteria: Ambry Variant Classification Scheme 2023. Collection method: clinical testing. Allele origin: germline.

Labcorp Genetics (formerly Invitae), Labcorp
Classification: Uncertain significance for BAP1-related tumor predisposition syndrome. Last evaluated: 2025-07-30. Review status: criteria provided, single submitter. Criteria: Invitae Variant Classification Sherloc (09022015). Collection method: clinical testing. Allele origin: germline.
Comment: This sequence change replaces isoleucine, which is neutral and non-polar, with threonine, which is neutral and polar, at codon 353 of the BAP1 protein (p.Ile353Thr). This variant is present in population databases (rs754217069, gnomAD 0.003%). This missense change has been observed in individual(s) with breast cancer (PMID: 33646313, 35534704). ClinVar contains an entry for this variant (Variation ID: 472657). Invitae Evidence Modeling of protein sequence and biophysical properties (such as structural, functional, and spatial information, amino acid conservation, physicochemical variation, residue mobility, and thermodynamic stability) indicates that this missense variant is not expected to disrupt BAP1 protein function with a negative predictive value of 80%. In summary, the available evidence is currently insufficient to determine the role of this variant in disease. Therefore, it has been classified as a Variant of Uncertain Significance.

Baylor Genetics
Classification: Uncertain significance for BAP1-related tumor predisposition syndrome. Last evaluated: 2024-03-19. Review status: criteria provided, single submitter. Criteria: ACMG Guidelines, 2015. Collection method: clinical testing. Allele origin: unknown.

GeneDx
Classification: Uncertain significance. Last evaluated: 2023-02-02. Review status: criteria provided, single submitter. Criteria: GeneDx Variant Classification Process June 2021. Collection method: clinical testing. Allele origin: germline. Affected: yes.
Comment: Not observed at significant frequency in large population cohorts (gnomAD); In silico analysis supports that this missense variant does not alter protein structure/function; Observed in an individual with breast cancer (George et al., 2021); This variant is associated with the following publications: (PMID: 33646313)

Color Diagnostics, LLC DBA Color Health
Classification: Uncertain significance for Hereditary cancer-predisposing syndrome. Last evaluated: 2019-08-02. Review status: criteria provided, single submitter. Criteria: ACMG Guidelines, 2015. Collection method: clinical testing. Allele origin: germline.
Comment: This missense variant replaces isoleucine with threonine at codon 353 of the BAP1 protein. Computational prediction tools and conservation analyses are inconclusive regarding the impact of this variant on the protein function. Computational splicing tools suggest that this variant may not impact RNA splicing. To our knowledge, functional assays have not been performed for this variant nor has this variant been reported in individuals affected with hereditary cancer in the literature. This variant has been identified in 1/251410 chromosomes in the general population by the Genome Aggregation Database (gnomAD). Available evidence is insufficient to determine the role of this variant in disease conclusively. Therefore, this variant is classified as a Variant of Uncertain Significance.

Literature cited by the submitters: PubMed 33646313 (cited by Labcorp Genetics (formerly Invitae), Labcorp); PubMed 35534704 (cited by Labcorp Genetics (formerly Invitae), Labcorp).

NM_004656.4(BAP1):c.1058T>C (p.Ile353Thr)

Gene: BAP1 (BRCA1 associated deubiquitinase 1; minus strand). Cytogenetic location: 3p21.1.
Variant type: single nucleotide variant.
Coding change: c.1058T>C on transcript NM_004656.4 (MANE Select); coding-DNA position 1058, T replaced by C.
Protein change: p.Ile353Thr; replaces isoleucine 353 with threonine.
Molecular consequence: missense variant.
Genome position (GRCh38, 1-based): chr3:52,405,168, A>G on the plus strand (T>C on the coding strand, the complement: BAP1 is on the minus strand). VCF-style: chr3-52405168-A-G. GRCh37 (hg19) VCF-style: chr3-52439184-A-G.
Other names: short protein forms I353T.
Identifiers: ClinVar variation 472657 (VCV000472657.18), dbSNP rs754217069, ClinGen allele CA2436932.